The following is an entry in ClinVar:

ClinVar aggregate classification (germline): Uncertain significance (1 of 4 stars; one submission).

Allele frequency attached by ClinVar (database versions not stated): gnomAD exomes below 0.00001.
gnomAD v4.1: 1 of 1,614,272 alleles (0.000062%); highest among the groups gnomAD compares: Non-Finnish European, 0.000085%; no homozygotes.

Submission:

Labcorp Genetics (formerly Invitae), Labcorp
Classification: Uncertain significance. Last evaluated: 2022-01-27. Review status: criteria provided, single submitter. Criteria: Invitae Variant Classification Sherloc (09022015). Collection method: clinical testing. Allele origin: germline.
Comment: This sequence change replaces valine, which is neutral and non-polar, with phenylalanine, which is neutral and non-polar, at codon 1053 of the DUOX2 protein (p.Val1053Phe). This variant is not present in population databases (gnomAD no frequency). In summary, the available evidence is currently insufficient to determine the role of this variant in disease. Therefore, it has been classified as a Variant of Uncertain Significance. Advanced modeling of protein sequence and biophysical properties (such as structural, functional, and spatial information, amino acid conservation, physicochemical variation, residue mobility, and thermodynamic stability) performed at Invitae indicates that this missense variant is not expected to disrupt DUOX2 protein function. This variant has not been reported in the literature in individuals affected with DUOX2-related conditions.

NM_001363711.2(DUOX2):c.3157G>T (p.Val1053Phe)

Gene: DUOX2 (dual oxidase 2; minus strand). Cytogenetic location: 15q21.1.
Variant type: single nucleotide variant.
Coding change: c.3157G>T on transcript NM_001363711.2 (MANE Select); coding-DNA position 3157, G replaced by T.
Protein change: p.Val1053Phe; replaces valine 1053 with phenylalanine.
Molecular consequence: missense variant.
Genome position (GRCh38, 1-based): chr15:45,100,077, C>A on the plus strand (G>T on the coding strand, the complement: DUOX2 is on the minus strand). VCF-style: chr15-45100077-C-A. GRCh37 (hg19) VCF-style: chr15-45392275-C-A.
Other names: c.3157G>T, p.Val1053Phe (NM_014080.5); short protein forms V1053F.
Identifiers: ClinVar variation 1475119 (VCV001475119.6), dbSNP rs1894035719, ClinGen allele CA392263232.